The following is an entry in ClinVar:

ClinVar aggregate classification (germline): Likely benign. Review status: criteria provided, multiple submitters, no conflicts (2 of 4 stars). 2 submissions from 2 submitters: Likely benign (2). Last evaluated 2018-06-19.

Allele frequency attached by ClinVar (database versions not stated): gnomAD 0.00512 and 0.00552; TOPMed 0.00566; 1000 Genomes Project 0.00619; 1000 Genomes Project 30x 0.00656.
gnomAD v4.1: 1,338 of 955,764 alleles (0.14%); highest among the groups gnomAD compares: African/African-American, 1.7%; 12 homozygotes.

Submissions (2):

GeneDx
Classification: Likely benign. Last evaluated: 2018-06-19. Review status: criteria provided, single submitter. Criteria: GeneDx Variant Classification (06012015). Collection method: clinical testing. Allele origin: germline. Affected: yes.
Comment: This variant is considered likely benign or benign based on one or more of the following criteria: it is a conservative change, it occurs at a poorly conserved position in the protein, it is predicted to be benign by multiple in silico algorithms, and/or has population frequency not consistent with disease.

Breakthrough Genomics
Classification: Likely benign. Review status: criteria provided, single submitter. Criteria: ACMG Guidelines, 2015. Collection method: not provided. Allele origin: germline. Inheritance: Autosomal dominant inheritance. Affected: yes.

NM_001105206.3(LAMA4):c.2667+118A>G

Genes: LAMA4 (laminin subunit alpha 4; minus strand), LOC126859766 (MED14-independent group 3 enhancer GRCh37_chr6:112462018-112463217; plus strand). Cytogenetic location: 6q21.
Variant type: single nucleotide variant.
Coding change: c.2667+118A>G on transcript NM_001105206.3 (MANE Select); 118 bases into the intron after coding-DNA position 2667, A replaced by G.
Molecular consequence: intron variant.
Genome position (GRCh38, 1-based): chr6:112,142,001, T>C on the plus strand (A>G on the coding strand, the complement: LAMA4 is on the minus strand). VCF-style: chr6-112142001-T-C. GRCh37 (hg19) VCF-style: chr6-112463203-T-C.
Other names: c.2646+118A>G (NM_002290.5, NM_001105207.3).
Identifiers: ClinVar variation 676367 (VCV000676367.2), dbSNP rs115787422, ClinGen allele CA144895098.